The following is an entry in ClinVar:

NM_000747.3(CHRNB1):c.859C>G (p.Leu287Val)

Gene: CHRNB1 (cholinergic receptor nicotinic beta 1 subunit; plus strand). Cytogenetic location: 17p13.1.
Variant type: single nucleotide variant.
Coding change: c.859C>G on transcript NM_000747.3 (MANE Select); coding-DNA position 859, C replaced by G.
Protein change: p.Leu287Val; replaces leucine 287 with valine.
Molecular consequence: missense variant.
Genome position (GRCh38, 1-based): chr17:7,454,335, C>G. VCF-style: chr17-7454335-C-G. GRCh37 (hg19) VCF-style: chr17-7357654-C-G.
Other names: short protein forms L287V.
Identifiers: ClinVar variation 2907236 (VCV002907236.3), dbSNP rs1277392931, ClinGen allele CA397797314.
Genomic context (GRCh38, chr17:7,454,335, plus strand): 5'-CTCTTCCCCTCTGCCCTCCAAGGAGAGAAGATGGGGCTCTCAATCTTTGCCCTGCTGACC[C>G]TTACTGTGTTCCTGCTGCTGCTGGCTGACAAAGTACCTGAGACCTCACTATCAGTACCCA-3'
Protein context (NP_000738.2, residues 277-297): MGLSIFALLT[Leu287Val]TVFLLLLADK

ClinVar aggregate classification (germline): Uncertain significance (1 of 4 stars; one submission).

Conditions:
Congenital myasthenic syndrome 2A. Also called: Myasthenic syndrome, congenital, 2a, slow-channel. Identifiers: Orphanet 590, MedGen C4225374, MONDO:0014581, OMIM 616313.

Submission:

Labcorp Genetics (formerly Invitae), Labcorp
Classification: Uncertain significance for Congenital myasthenic syndrome 2A. Last evaluated: 2023-03-23. Review status: criteria provided, single submitter. Criteria: Invitae Variant Classification Sherloc (09022015). Collection method: clinical testing. Allele origin: germline.
Comment: This sequence change replaces leucine, which is neutral and non-polar, with valine, which is neutral and non-polar, at codon 287 of the CHRNB1 protein (p.Leu287Val). This variant is present in population databases (no rsID available, gnomAD 0.0009%). This variant has not been reported in the literature in individuals affected with CHRNB1-related conditions. Advanced modeling of protein sequence and biophysical properties (such as structural, functional, and spatial information, amino acid conservation, physicochemical variation, residue mobility, and thermodynamic stability) performed at Invitae indicates that this missense variant is not expected to disrupt CHRNB1 protein function. In summary, the available evidence is currently insufficient to determine the role of this variant in disease. Therefore, it has been classified as a Variant of Uncertain Significance.